The following is an entry in ClinVar:

ClinVar aggregate classification (germline): Uncertain significance (1 of 4 stars; one submission).

Conditions:
Charcot-Marie-Tooth disease type 2E (CMT2E). Also called: CHARCOT-MARIE-TOOTH NEUROPATHY, TYPE 2E; CHARCOT-MARIE-TOOTH DISEASE, AXONAL, TYPE 2E. Identifiers: Orphanet 99939, MedGen C1843225, MONDO:0011894, OMIM 607684.

Allele frequency attached by ClinVar (database versions not stated): gnomAD 0.00001 and 0.00002; TOPMed 0.00001; gnomAD exomes 0.00003 and 0.00004; ExAC 0.00007.

Submission:

Labcorp Genetics (formerly Invitae), Labcorp
Classification: Uncertain significance for Charcot-Marie-Tooth disease type 2E. Last evaluated: 2022-07-09. Review status: criteria provided, single submitter. Criteria: Invitae Variant Classification Sherloc (09022015). Collection method: clinical testing. Allele origin: germline.
Comment: This sequence change replaces glutamic acid, which is acidic and polar, with lysine, which is basic and polar, at codon 510 of the NEFL protein (p.Glu510Lys). This variant is present in population databases (rs749256770, gnomAD 0.008%). This variant has not been reported in the literature in individuals affected with NEFL-related conditions. ClinVar contains an entry for this variant (Variation ID: 652550). In summary, the available evidence is currently insufficient to determine the role of this variant in disease. Therefore, it has been classified as a Variant of Uncertain Significance.

NM_006158.5(NEFL):c.1528G>A (p.Glu510Lys)

Gene: NEFL (neurofilament light chain; minus strand). Cytogenetic location: 8p21.2.
Variant type: single nucleotide variant.
Coding change: c.1528G>A on transcript NM_006158.5 (MANE Select); coding-DNA position 1528, G replaced by A.
Protein change: p.Glu510Lys; replaces glutamic acid 510 with lysine.
Molecular consequence: missense variant.
Genome position (GRCh38, 1-based): chr8:24,952,914, C>T on the plus strand (G>A on the coding strand, the complement: NEFL is on the minus strand). VCF-style: chr8-24952914-C-T. GRCh37 (hg19) VCF-style: chr8-24810427-C-T.
Other names: short protein forms E510K.
Identifiers: ClinVar variation 652550 (VCV000652550.5), dbSNP rs749256770, ClinGen allele CA4681243.
Genomic context (GRCh38, chr8:24,952,914, plus strand): 5'-CTTTCTTCTCCTCCTCTTCAGCTTCTTTGGTTTCCTCTCCTTCTTCACCTTCACCTCCTT[C>T]TTCTTCTTCTTTTGCTTCTTCAGACTCTTCCTTGGCAGCTTTAACATAAAAAGAAAATGT-3'
Protein context (NP_006149.2, residues 500-520): EESEEAKEEE[Glu510Lys]GGEGEEGEET